The following is an entry in ClinVar:

NC_000010.11:g.(?_49614170)_(49665066_?)del

Gene: CHAT (choline O-acetyltransferase; plus strand). Cytogenetic location: 10q11.23.
Variant type: Deletion.
Identifiers: ClinVar variation 657906 (VCV000657906.1).

ClinVar aggregate classification (germline): Pathogenic (1 of 4 stars; one submission).

Conditions:
Familial infantile myasthenia (CMS6). Also called: Congenital myasthenic syndrome type 6; MYASTHENIC SYNDROME, CONGENITAL, 6, PRESYNAPTIC; MYASTHENIC SYNDROME, PRESYNAPTIC, CONGENITAL, ASSOCIATED WITH EPISODIC APNEA. Identifiers: Orphanet 590, MedGen C0393929, MONDO:0009689, OMIM 254210.

Submission:

Labcorp Genetics (formerly Invitae), Labcorp
Classification: Pathogenic for Familial infantile myasthenia. Last evaluated: 2018-08-10. Review status: criteria provided, single submitter. Criteria: Invitae Variant Classification Sherloc (09022015). Collection method: clinical testing. Allele origin: germline.
Comment: A gross deletion of the genomic region encompassing the full coding sequence of the CHAT gene has been identified. The boundaries of this event are unknown as the deletion extends beyond the assayed region for this gene and therefore may encompass additional genes. This variant has not been reported in the literature in individuals with CHAT-related disease. Loss-of-function variants in CHAT are known to be pathogenic (PMID: 12548525, 21786365, 23292760). For these reasons, this variant has been classified as Pathogenic.